The following is an entry in ClinVar:

NM_000441.2(SLC26A4):c.440T>C (p.Met147Thr)

Gene: SLC26A4 (solute carrier family 26 member 4; plus strand). Cytogenetic location: 7q22.3.
Variant type: single nucleotide variant.
Coding change: c.440T>C on transcript NM_000441.2 (MANE Select); coding-DNA position 440, T replaced by C.
Protein change: p.Met147Thr; replaces methionine 147 with threonine.
Molecular consequence: missense variant.
Genome position (GRCh38, 1-based): chr7:107,674,188, T>C. VCF-style: chr7-107674188-T-C. GRCh37 (hg19) VCF-style: chr7-107314633-T-C.
Other names: short protein forms M147T.
Identifiers: ClinVar variation 556648 (VCV000556648.10), dbSNP rs1554354787, ClinGen allele CA368847872.

ClinVar aggregate classification (germline): Pathogenic/Likely pathogenic. Review status: criteria provided, multiple submitters, no conflicts (2 of 4 stars). 4 submissions from 4 submitters: Pathogenic (1); Likely pathogenic (1). 2 of the submissions do not count toward it. Last evaluated 2025-10-14.

Conditions:
Autosomal recessive nonsyndromic hearing loss 4 (DFNB4). Also called: Deafness, autosomal recessive 4; FOXI1-Related Pendred Syndrome; KCNJ10-Related Pendred Syndrome; DEAFNESS, AUTOSOMAL RECESSIVE 4, WITH ENLARGED VESTIBULAR AQUEDUCT, DIGENIC; Enlarged vestibular aqueduct, digenic; Nonsyndromic enlarged vestibular aqueduct (NSEVA). Identifiers: Orphanet 90636, MedGen C3538946, MONDO:0010933, OMIM 600791.
Pendred syndrome (PDS). Also called: DEAFNESS WITH GOITER; Pendred's syndrome; GOITER-DEAFNESS SYNDROME; HYPOTHYROIDISM, CONGENITAL, DUE TO DYSHORMONOGENESIS, 2B; THYROID DYSHORMONOGENESIS 2B; THYROID HORMONOGENESIS, GENETIC DEFECT IN, 2B. Identifiers: Orphanet 705, MedGen C0271829, MONDO:0010134, OMIM 274600.

Submissions (4):

Natera, Inc.
Classification: Likely pathogenic for Pendred syndrome. Last evaluated: 2025-10-14. Review status: criteria provided, single submitter. Criteria: Natera Variant Classification Schema (03/2026). Collection method: clinical testing. Allele origin: germline.
Comment: The c.440T>C variant in SLC26A4 is a missense variant predicted to cause substitution of methionine to threonine at amino acid 147. This variant is rare in the general population with a frequency below the threshold expected for the associated phenotype(s). This variant has been observed in one or more individuals affected with the associated recessive disease, as either homozygous or compound heterozygous with a second variant (PMID: 16570074, 20128824). Functional studies show that this variant may disrupt protein function (PMID: 20128824, 31599023). A different variant at the same position has been determined to be Pathogenic or Likely Pathogenic. Computational prediction algorithms indicate this variant is likely to affect gene or protein function. Given the available evidence, this variant is classified as Likely Pathogenic.

Labcorp Genetics (formerly Invitae), Labcorp
Classification: Pathogenic. Last evaluated: 2023-03-01. Review status: criteria provided, single submitter. Criteria: Invitae Variant Classification Sherloc (09022015). Collection method: clinical testing. Allele origin: germline.
Comment: This sequence change replaces methionine, which is neutral and non-polar, with threonine, which is neutral and polar, at codon 147 of the SLC26A4 protein (p.Met147Thr). This variant is not present in population databases (gnomAD no frequency). For these reasons, this variant has been classified as Pathogenic. Experimental studies have shown that this missense change affects SLC26A4 function (PMID: 20128824). Advanced modeling of protein sequence and biophysical properties (such as structural, functional, and spatial information, amino acid conservation, physicochemical variation, residue mobility, and thermodynamic stability) performed at Invitae indicates that this missense variant is expected to disrupt SLC26A4 protein function. ClinVar contains an entry for this variant (Variation ID: 556648). This missense change has been observed in individuals with deafness (PMID: 16570074, 20128824).

National Institute of Sensory Organs, National Hospital Organization Tokyo Medical Center
Classification: Affects for Autosomal recessive nonsyndromic hearing loss 4. Last evaluated: 2019-08-20. Review status: no assertion criteria provided. Collection method: literature only, in vitro. Allele origin: germline. Inheritance: Autosomal recessive inheritance. Affected: yes. Functional consequence: loss_of_function_variant. Not counted in ClinVar's aggregate classification.
Comment: in vitro experiment

Counsyl
Classification: Likely pathogenic for Pendred syndrome. Last evaluated: 2018-02-13. Review status: no assertion criteria provided. Collection method: clinical testing. Allele origin: unknown. Not counted in ClinVar's aggregate classification.

Literature cited by the submitters: PubMed 16570074 (cited by 4 submitters); PubMed 20128824 (cited by 4 submitters); PubMed 31599023 (cited by Natera, Inc. and National Institute of Sensory Organs, National Hospital Organization Tokyo Medical Center); PubMed 27771369 (cited by National Institute of Sensory Organs, National Hospital Organization Tokyo Medical Center).